The following is an entry in ClinVar:

NM_000944.5(PPP3CA):c.143C>T (p.Ala48Val)

Gene: PPP3CA (protein phosphatase 3 catalytic subunit alpha; minus strand). Cytogenetic location: 4q24.
Variant type: single nucleotide variant.
Coding change: c.143C>T on transcript NM_000944.5 (MANE Select); coding-DNA position 143, C replaced by T.
Protein change: p.Ala48Val; replaces alanine 48 with valine.
Molecular consequence: missense variant.
Genome position (GRCh38, 1-based): chr4:101,196,032, G>A on the plus strand (C>T on the coding strand, the complement: PPP3CA is on the minus strand). VCF-style: chr4-101196032-G-A. GRCh37 (hg19) VCF-style: chr4-102117189-G-A.
Other names: c.143C>T, p.Ala48Val (NM_001130691.2, NM_001130692.2); short protein forms A48V.
Identifiers: ClinVar variation 2498957 (VCV002498957.33), dbSNP rs764832679, ClinGen allele CA3024551.
Genomic context (GRCh38, chr4:101,196,032, plus strand): 5'-CCCTCTGTTATTATTCTCAATGCAACACTCTCTTCCAGCCTTCCCTCCTTCATAAGATGC[G>A]CCTTTAAGATATCCACACGAGGTTTTCCATCATTATCAAACACTTCTTTTGCTGTAAGCC-3'
Protein context (NP_000935.1, residues 38-58): DGKPRVDILK[Ala48Val]HLMKEGRLEE

ClinVar aggregate classification (germline): Uncertain significance. Review status: criteria provided, multiple submitters, no conflicts (2 of 4 stars). 3 submissions from 3 submitters: Uncertain significance (3). Last evaluated 2026-03-05.

Allele frequency attached by ClinVar (database versions not stated): ExAC 0.00001.
gnomAD v4.1: 26 of 1,613,884 alleles (0.0016%); highest among the groups gnomAD compares: Non-Finnish European, 0.002%; no homozygotes.

Submissions (4):

Women's Health and Genetics/Laboratory Corporation of America, LabCorp
Classification: Uncertain significance. Last evaluated: 2026-03-05. Review status: criteria provided, single submitter. Criteria: LabCorp Variant Classification Summary - May 2015. Collection method: clinical testing. Allele origin: germline.
Comment: Variant summary: PPP3CA c.143C>T (p.Ala48Val) results in a non-conservative amino acid change in the encoded protein sequence. Algorithms developed to predict the effect of missense changes on protein structure and function are either unavailable or do not agree on the potential impact of this missense change. The variant allele was found at a frequency of 8e-06 in 251160 control chromosomes. The available data on variant occurrences in the general population are insufficient to allow any conclusion about variant significance. To our knowledge, no occurrence of c.143C>T in individuals affected with PPP3CA-related conditions and no experimental evidence demonstrating its impact on protein function have been reported. ClinVar contains an entry for this variant (Variation ID: 2498957). Based on the evidence outlined above, the variant was classified as uncertain significance.

Labcorp Genetics (formerly Invitae), Labcorp
Classification: Uncertain significance. Last evaluated: 2023-11-27. Review status: criteria provided, single submitter. Criteria: Invitae Variant Classification Sherloc (09022015). Collection method: clinical testing. Allele origin: germline.
Comment: This sequence change replaces alanine, which is neutral and non-polar, with valine, which is neutral and non-polar, at codon 48 of the PPP3CA protein (p.Ala48Val). This variant is present in population databases (rs764832679, gnomAD 0.003%). This variant has not been reported in the literature in individuals affected with PPP3CA-related conditions. ClinVar contains an entry for this variant (Variation ID: 2498957). Advanced modeling of protein sequence and biophysical properties (such as structural, functional, and spatial information, amino acid conservation, physicochemical variation, residue mobility, and thermodynamic stability) performed at Invitae indicates that this missense variant is not expected to disrupt PPP3CA protein function with a negative predictive value of 80%. In summary, the available evidence is currently insufficient to determine the role of this variant in disease. Therefore, it has been classified as a Variant of Uncertain Significance.

CeGaT Center for Human Genetics Tuebingen
Classification: Uncertain significance. Last evaluated: 2023-03-01. Review status: criteria provided, single submitter. Criteria: CeGaT Center For Human Genetics Tuebingen Variant Classification Criteria Version 2. Collection method: clinical testing. Allele origin: germline. Affected: yes. Observed: 1 variant allele.
Comment: PPP3CA: PP2

Dr. Peter K. Rogan Lab, Western University
No classification provided (evidence only). Condition: Hepatocellular carcinoma. Review status: no classification provided. Collection method: in vitro. Allele origin: not applicable. Functional consequence: retained intron. Not counted in ClinVar's aggregate classification.